The following is an entry in ClinVar:

NM_001048174.2(MUTYH):c.1250C>T (p.Thr417Ile)

Gene: MUTYH (mutY DNA glycosylase; minus strand). Cytogenetic location: 1p34.1.
Variant type: single nucleotide variant.
Coding change: c.1250C>T on transcript NM_001048174.2 (MANE Select); coding-DNA position 1250, C replaced by T.
Protein change: p.Thr417Ile; replaces threonine 417 with isoleucine.
Molecular consequence: missense variant. On other transcripts: non-coding transcript variant (7).
Genome position (GRCh38, 1-based): chr1:45,331,324, G>A on the plus strand (C>T on the coding strand, the complement: MUTYH is on the minus strand). VCF-style: chr1-45331324-G-A. GRCh37 (hg19) VCF-style: chr1-45796996-G-A.
Other names: c.1334C>T, p.Thr445Ile (NM_001128425.2); c.1295C>T, p.Thr432Ile (NM_001293190.2); c.1283C>T, p.Thr428Ile (NM_001293191.2, NM_001407069.1, NM_001407077.1); c.974C>T, p.Thr325Ile (NM_001293192.2, NM_001293196.2, NM_001407091.1); c.1250C>T, p.Thr417Ile (NM_001293195.2, NM_001048171.2, NM_001048173.2 and 6 more transcripts); c.905C>T, p.Thr302Ile (NM_001350650.2, NM_001350651.2, NM_001407082.1); c.1253C>T, p.Thr418Ile (NM_001048172.2, NM_001407086.1, NM_001407071.1 and 1 more transcripts); c.1292C>T, p.Thr431Ile (NM_001407083.1, NM_001407085.1); and 5 more; short protein forms T403I, T418I, T428I, T442I, T445I, T325I, T389I, T424I.
Identifiers: ClinVar variation 2788845 (VCV002788845.4), dbSNP rs760994413, ClinGen allele CA056158.

ClinVar aggregate classification (germline): Uncertain significance. Review status: criteria provided, multiple submitters, no conflicts (2 of 4 stars). 2 submissions from 2 submitters: Uncertain significance (2). Last evaluated 2025-08-27.

Conditions:
Hereditary cancer-predisposing syndrome. Also called: Neoplastic Syndromes, Hereditary; Hereditary neoplastic syndrome; Hereditary Cancer Syndrome; Tumor predisposition. Identifiers: Orphanet 140162, MedGen C0027672, MeSH D009386, MONDO:0015356.
Familial adenomatous polyposis 2. Also called: MUTYH-related attenuated familial adenomatous polyposis; COLORECTAL ADENOMATOUS POLYPOSIS, AUTOSOMAL RECESSIVE; ADENOMAS, MULTIPLE COLORECTAL, AUTOSOMAL RECESSIVE; MYH-associated polyposis; MUTYH-associated polyposis; MUTYH Polyposis. Identifiers: Orphanet 220460, Orphanet 247798, MedGen C3272841, MONDO:0012041, OMIM 608456.

Allele frequency attached by ClinVar (database versions not stated): gnomAD exomes below 0.00001; ExAC 0.00001.
gnomAD v4.1: 2 of 1,614,212 alleles (0.00012%); highest among the groups gnomAD compares: South Asian, 0.0022%; no homozygotes.

Submissions (2):

Ambry Genetics
Classification: Uncertain significance for Hereditary cancer-predisposing syndrome. Last evaluated: 2025-08-27. Review status: criteria provided, single submitter. Criteria: Ambry Variant Classification Scheme 2023. Collection method: clinical testing. Allele origin: germline.
Comment: The p.T445I variant (also known as c.1334C>T), located in coding exon 14 of the MUTYH gene, results from a C to T substitution at nucleotide position 1334. The threonine at codon 445 is replaced by isoleucine, an amino acid with similar properties. This amino acid position is conserved. In addition, the in silico prediction for this alteration is inconclusive. Based on the available evidence, the clinical significance of this variant remains unclear.

Labcorp Genetics (formerly Invitae), Labcorp
Classification: Uncertain significance for Familial adenomatous polyposis 2. Last evaluated: 2023-12-22. Review status: criteria provided, single submitter. Criteria: Invitae Variant Classification Sherloc (09022015). Collection method: clinical testing. Allele origin: germline.
Comment: This sequence change replaces threonine, which is neutral and polar, with isoleucine, which is neutral and non-polar, at codon 445 of the MUTYH protein (p.Thr445Ile). This variant is present in population databases (rs760994413, gnomAD 0.003%). This variant has not been reported in the literature in individuals affected with MUTYH-related conditions. Algorithms developed to predict the effect of missense changes on protein structure and function output the following: SIFT: "Not Available"; PolyPhen-2: "Benign"; Align-GVGD: "Not Available". The isoleucine amino acid residue is found in multiple mammalian species, which suggests that this missense change does not adversely affect protein function. In summary, the available evidence is currently insufficient to determine the role of this variant in disease. Therefore, it has been classified as a Variant of Uncertain Significance.